The following is an entry in ClinVar:

ClinVar aggregate classification (germline): Likely benign. Review status: criteria provided, single submitter (1 of 4 stars). 2 submissions from 2 submitters: Likely benign (1). 1 of the submissions does not count toward it. Last evaluated 2022-04-01.

Conditions:
ABCA7-related disorder. Also called: ABCA7-related condition.

Allele frequency attached by ClinVar (database versions not stated): gnomAD 0.00004 and 0.00008; TOPMed 0.00005; gnomAD exomes 0.00023; ExAC 0.00030; 1000 Genomes Project 30x 0.00047; 1000 Genomes Project 0.00060.
gnomAD v4.1: 440 of 1,613,764 alleles (0.027%); highest among the groups gnomAD compares: East Asian, 0.97%; 6 homozygotes.

Submissions (2):

CeGaT Center for Human Genetics Tuebingen
Classification: Likely benign. Last evaluated: 2022-04-01. Review status: criteria provided, single submitter. Criteria: CeGaT Center For Human Genetics Tuebingen Variant Classification Criteria Version 2. Collection method: clinical testing. Allele origin: germline. Affected: yes. Observed: 1 variant allele.
Comment: ABCA7: BS2

PreventionGenetics, part of Exact Sciences
Classification: Likely benign for ABCA7-related condition. Last evaluated: 2019-06-13. Review status: no assertion criteria provided. Collection method: clinical testing. Allele origin: germline. Not counted in ClinVar's aggregate classification.
Comment: This variant is classified as likely benign based on ACMG/AMP sequence variant interpretation guidelines (Richards et al. 2015 PMID: 25741868, with internal and published modifications).

NM_019112.4(ABCA7):c.5069T>C (p.Ile1690Thr)

Gene: ABCA7 (ATP binding cassette subfamily A member 7; plus strand). Cytogenetic location: 19p13.3.
Variant type: single nucleotide variant.
Coding change: c.5069T>C on transcript NM_019112.4 (MANE Select); coding-DNA position 5069, T replaced by C.
Protein change: p.Ile1690Thr; replaces isoleucine 1690 with threonine.
Molecular consequence: missense variant.
Genome position (GRCh38, 1-based): chr19:1,058,189, T>C. VCF-style: chr19-1058189-T-C. GRCh37 (hg19) VCF-style: chr19-1058188-T-C.
Other names: c.5069T>C (NM_019112.3); short protein forms I1690T.
Identifiers: ClinVar variation 1694878 (VCV001694878.32), dbSNP rs184218896, ClinGen allele CA9034704.